The following is an entry in ClinVar:

NM_014264.5(PLK4):c.1951C>T (p.Pro651Ser)

Gene: PLK4 (polo like kinase 4; plus strand). Cytogenetic location: 4q28.1.
Variant type: single nucleotide variant.
Coding change: c.1951C>T on transcript NM_014264.5 (MANE Select); coding-DNA position 1951, C replaced by T.
Protein change: p.Pro651Ser; replaces proline 651 with serine.
Molecular consequence: missense variant.
Genome position (GRCh38, 1-based): chr4:127,891,594, C>T. VCF-style: chr4-127891594-C-T. GRCh37 (hg19) VCF-style: chr4-128812749-C-T.
Other names: c.1855C>T, p.Pro619Ser (NM_001190799.2); c.1828C>T, p.Pro610Ser (NM_001190801.2); short protein forms P610S, P619S, P651S.
Identifiers: ClinVar variation 989336 (VCV000989336.4), dbSNP rs1305291662, ClinGen allele CA358158372.

ClinVar aggregate classification (germline): Uncertain significance (1 of 4 stars; one submission).

Conditions:
PLK4-related microcephaly and growth failure with or without ocular features.

Allele frequency attached by ClinVar (database versions not stated): gnomAD 0.00001.
gnomAD v4.1: 4 of 1,513,438 alleles (0.00026%); highest among the groups gnomAD compares: African/African-American, 0.0055%; no homozygotes.

Submission:

Illumina Laboratory Services, Illumina
Classification: Uncertain significance for PLK4-related microcephaly and growth failure with or without ocular features. Last evaluated: 2020-08-06. Review status: criteria provided, single submitter. Criteria: ICSLVariantClassificationCriteria RUGD 01 April 2020. Collection method: clinical testing. Allele origin: unknown.
Comment: The PLK4 c.1951C>T (p.Pro651Ser) variant is a missense variant. A literature search was performed for the gene, cDNA change, and amino acid change. No publications were found based on this search. The p.Pro651Ser variant is reported at a frequency of 0.000115 in the African population of the Genome Aggregation Database though this is based on one allele in a region of good sequence coverage so the variant is presumed to be rare. Based on the limited evidence and application of ACMG criteria, the p.Pro651Ser variant is classified as a variant of uncertain significance for PLK4-related microcephaly and growth failure with or without ocular features.